The following is an entry in ClinVar:

ClinVar aggregate classification (germline): Uncertain significance (1 of 4 stars; one submission).

Allele frequency attached by ClinVar (database versions not stated): gnomAD exomes below 0.00001; ExAC 0.00001; gnomAD 0.00001.

Submission:

Labcorp Genetics (formerly Invitae), Labcorp
Classification: Uncertain significance. Last evaluated: 2023-09-19. Review status: criteria provided, single submitter. Criteria: Invitae Variant Classification Sherloc (09022015). Collection method: clinical testing. Allele origin: germline.
Comment: This sequence change replaces methionine, which is neutral and non-polar, with valine, which is neutral and non-polar, at codon 448 of the EFEMP1 protein (p.Met448Val). This variant is present in population databases (rs781775380, gnomAD 0.0009%). This variant has not been reported in the literature in individuals affected with EFEMP1-related conditions. Advanced modeling of protein sequence and biophysical properties (such as structural, functional, and spatial information, amino acid conservation, physicochemical variation, residue mobility, and thermodynamic stability) performed at Invitae indicates that this missense variant is not expected to disrupt EFEMP1 protein function. In summary, the available evidence is currently insufficient to determine the role of this variant in disease. Therefore, it has been classified as a Variant of Uncertain Significance.

NM_001039348.3(EFEMP1):c.1342A>G (p.Met448Val)

Gene: EFEMP1 (EGF-like fibulin extracellular matrix protein 1; minus strand). Cytogenetic location: 2p16.1.
Variant type: single nucleotide variant.
Coding change: c.1342A>G on transcript NM_001039348.3 (MANE Select); coding-DNA position 1342, A replaced by G.
Protein change: p.Met448Val; replaces methionine 448 with valine.
Molecular consequence: missense variant.
Genome position (GRCh38, 1-based): chr2:55,867,213, T>C on the plus strand (A>G on the coding strand, the complement: EFEMP1 is on the minus strand). VCF-style: chr2-55867213-T-C. GRCh37 (hg19) VCF-style: chr2-56094348-T-C.
Other names: c.1342A>G, p.Met448Val (NM_001039349.3); short protein forms M448V.
Identifiers: ClinVar variation 2828025 (VCV002828025.3), dbSNP rs781775380, ClinGen allele CA1668693.